The following is an entry in ClinVar:

NM_001035.3(RYR2):c.4841G>T (p.Arg1614Leu)

Gene: RYR2 (ryanodine receptor 2; plus strand). Cytogenetic location: 1q43.
Variant type: single nucleotide variant.
Coding change: c.4841G>T on transcript NM_001035.3 (MANE Select); coding-DNA position 4841, G replaced by T.
Protein change: p.Arg1614Leu; replaces arginine 1614 with leucine.
Molecular consequence: missense variant.
Genome position (GRCh38, 1-based): chr1:237,610,919, G>T. VCF-style: chr1-237610919-G-T. GRCh37 (hg19) VCF-style: chr1-237774219-G-T.
Other names: short protein forms R1614L.
Identifiers: ClinVar variation 1021581 (VCV001021581.48), dbSNP rs746943081, ClinGen allele CA345402742.

ClinVar aggregate classification (germline): Uncertain significance (1 of 4 stars; one submission).

Conditions:
Catecholaminergic polymorphic ventricular tachycardia 1. Also called: RYR2-Related Catecholaminergic Polymorphic Ventricular Tachycardia; VENTRICULAR TACHYCARDIA, CATECHOLAMINERGIC POLYMORPHIC, 1, WITH OR WITHOUT ATRIAL DYSFUNCTION AND/OR DILATED CARDIOMYOPATHY; VENTRICULAR TACHYCARDIA, STRESS-INDUCED POLYMORPHIC 1. Identifiers: Orphanet 3286, MedGen C1631597, MONDO:0011484, OMIM 604772.

Submission:

Labcorp Genetics (formerly Invitae), Labcorp
Classification: Uncertain significance for Catecholaminergic polymorphic ventricular tachycardia 1. Last evaluated: 2021-03-06. Review status: criteria provided, single submitter. Criteria: Invitae Variant Classification Sherloc (09022015). Collection method: clinical testing. Allele origin: germline.
Comment: In summary, the available evidence is currently insufficient to determine the role of this variant in disease. Therefore, it has been classified as a Variant of Uncertain Significance. Algorithms developed to predict the effect of missense changes on protein structure and function (SIFT, PolyPhen-2, Align-GVGD) all suggest that this variant is likely to be disruptive, but these predictions have not been confirmed by published functional studies and their clinical significance is uncertain. This variant has not been reported in the literature in individuals with RYR2-related conditions. This variant is not present in population databases (ExAC no frequency). This sequence change replaces arginine with leucine at codon 1614 of the RYR2 protein (p.Arg1614Leu). The arginine residue is highly conserved and there is a moderate physicochemical difference between arginine and leucine.